The following is an entry in ClinVar:

NM_017662.5(TRPM6):c.3868C>T (p.Arg1290Trp)

Gene: TRPM6 (transient receptor potential cation channel subfamily M member 6; minus strand). Cytogenetic location: 9q21.13.
Variant type: single nucleotide variant.
Coding change: c.3868C>T on transcript NM_017662.5 (MANE Select); coding-DNA position 3868, C replaced by T.
Protein change: p.Arg1290Trp; replaces arginine 1290 with tryptophan.
Molecular consequence: missense variant.
Genome position (GRCh38, 1-based): chr9:74,762,803, G>A on the plus strand (C>T on the coding strand, the complement: TRPM6 is on the minus strand). VCF-style: chr9-74762803-G-A. GRCh37 (hg19) VCF-style: chr9-77377719-G-A.
Other names: c.3853C>T, p.Arg1285Trp (NM_001177310.2, NM_001177311.2); short protein forms R1290W, R1285W.
Identifiers: ClinVar variation 3597557 (VCV003597557.3).

ClinVar aggregate classification (germline): Uncertain significance. Review status: criteria provided, multiple submitters, no conflicts (2 of 4 stars). 2 submissions from 2 submitters: Uncertain significance (2). Last evaluated 2024-10-04.

Conditions:
Intestinal hypomagnesemia 1. Also called: HYPOMAGNESEMIA, INTESTINAL, WITH SECONDARY HYPOCALCEMIA; HYPOMAGNESEMIC TETANY. Identifiers: Orphanet 30924, MedGen C1865974, MONDO:0011176, OMIM 602014.

gnomAD v4.1: 16 of 1,614,072 alleles (0.00099%); highest among the groups gnomAD compares: East Asian, 0.0089%; no homozygotes.

Submissions (2):

Victorian Clinical Genetics Services, Murdoch Childrens Research Institute
Classification: Uncertain significance for Intestinal hypomagnesemia 1. Last evaluated: 2024-10-04. Review status: criteria provided, single submitter. Criteria: ACMG Guidelines, 2015. Collection method: clinical testing. Allele origin: germline. Affected: yes.
Comment: This variant is classified as VUS-3B. Evidence in support of pathogenic classification: Variant is present in gnomAD <0.01 for a recessive condition (v4: 16 heterozygote(s), 0 homozygote(s)). Evidence in support of benign classification: Same amino acid change has been observed in placental mammals. Additional information: Variant is predicted to result in a missense amino acid change from arginine to tryptophan; This variant is heterozygous; This gene is associated with autosomal recessive disease; An alternative amino acid change at the same position has been observed in gnomAD (v4: 5 heterozygote(s), 0 homozygote(s)); This variant has no previous evidence of pathogenicity; No published segregation evidence has been identified for this variant; No published functional evidence has been identified for this variant; No comparable missense variants have previous evidence for pathogenicity; Variant is not located in an established domain, motif, hotspot or informative constraint region; Loss of function is a known mechanism of disease in this gene and is associated with intestinal hypomagnesaemia 1 (MIM#602014); Inheritance information for this variant is not currently available in this individual.

Fulgent Genetics
Classification: Uncertain significance for Intestinal hypomagnesemia 1. Last evaluated: 2024-06-18. Review status: criteria provided, single submitter. Criteria: ACMG Guidelines, 2015. Collection method: clinical testing. Allele origin: germline.